The following is an entry in ClinVar:

ClinVar aggregate classification (germline): Uncertain significance (1 of 4 stars; one submission).

Conditions:
BBS2-related disorder. Also called: BBS2-related condition; BBS2-related disorders. Identifiers: MedGen CN239228.

Submission:

PreventionGenetics, part of Exact Sciences
Classification: Uncertain significance for BBS2-related condition. Last evaluated: 2024-11-27. Review status: criteria provided, single submitter. Criteria: ACMG Guidelines, 2015. Collection method: clinical testing. Allele origin: germline.
Comment: The BBS2 c.1109C>T variant is predicted to result in the amino acid substitution p.Ala370Val. To our knowledge, this variant has not been reported in the literature or in a large population database (gnomAD), indicating this variant is rare. At this time, the clinical significance of this variant is uncertain due to the absence of conclusive functional and genetic evidence.

NM_031885.5(BBS2):c.1109C>T (p.Ala370Val)

Gene: BBS2 (Bardet-Biedl syndrome 2; minus strand). Cytogenetic location: 16q13.
Variant type: single nucleotide variant.
Coding change: c.1109C>T on transcript NM_031885.5 (MANE Select); coding-DNA position 1109, C replaced by T.
Protein change: p.Ala370Val; replaces alanine 370 with valine.
Molecular consequence: missense variant. On other transcripts: non-coding transcript variant (5).
Genome position (GRCh38, 1-based): chr16:56,501,469, G>A on the plus strand (C>T on the coding strand, the complement: BBS2 is on the minus strand). VCF-style: chr16-56501469-G-A. GRCh37 (hg19) VCF-style: chr16-56535381-G-A.
Other names: c.1109C>T, p.Ala370Val (NM_001377456.1); short protein forms A370V.
Identifiers: ClinVar variation 4999586 (VCV004999586.1).
Genomic context (GRCh38, chr16:56,501,469, plus strand): 5'-CTGACTGAGAGCGTGGTGTGGAGCCTGGTATTGGCTGGGATTATGCCCCGATGCCCATCA[G>A]CCTCGTTCAGTGGACTGGCCAATTCAGCCTGCAAAACACCCCACCCATTTCCTACTCAGT-3'
Protein context (NP_114091.4, residues 360-380): KAELASPLNE[Ala370Val]DGHRGIIPAN